The following is an entry in ClinVar:

ClinVar aggregate classification (germline): Uncertain significance (1 of 4 stars; one submission).

Conditions:
Inborn genetic diseases. Identifiers: MedGen C0950123, MeSH D030342.

gnomAD v4.1: 4 of 1,613,278 alleles (0.00025%); highest among the groups gnomAD compares: Admixed American, 0.005%; no homozygotes.

Submission:

Ambry Genetics
Classification: Uncertain significance for Inborn genetic diseases. Last evaluated: 2025-02-09. Review status: criteria provided, single submitter. Criteria: Ambry Variant Classification Scheme 2023. Collection method: clinical testing. Allele origin: germline.
Comment: The p.L549F variant (also known as c.1645C>T), located in coding exon 11 of the ERCC6L2 gene, results from a C to T substitution at nucleotide position 1645. The leucine at codon 549 is replaced by phenylalanine, an amino acid with highly similar properties. This amino acid position is conserved. In addition, this alteration is predicted to be tolerated by in silico analysis. Based on the available evidence, the clinical significance of this variant remains unclear.

NM_020207.7(ERCC6L2):c.1645C>T (p.Leu549Phe)

Gene: ERCC6L2 (ERCC excision repair 6 like 2; plus strand). Cytogenetic location: 9q22.32.
Variant type: single nucleotide variant.
Coding change: c.1645C>T on transcript NM_020207.7 (MANE Select); coding-DNA position 1645, C replaced by T.
Protein change: p.Leu549Phe; replaces leucine 549 with phenylalanine.
Molecular consequence: missense variant. On other transcripts: non-coding transcript variant (1).
Genome position (GRCh38, 1-based): chr9:95,928,758, C>T. VCF-style: chr9-95928758-C-T. GRCh37 (hg19) VCF-style: chr9-98691040-C-T.
Other names: c.1645C>T, p.Leu549Phe (NM_001010895.4, NM_001375291.1, NM_001375292.1 and 2 more transcripts); short protein forms L549F.
Identifiers: ClinVar variation 3845925 (VCV003845925.1).